The following is an entry in ClinVar:

ClinVar aggregate classification (germline): Uncertain significance (1 of 4 stars; one submission).

Submission:

Labcorp Genetics (formerly Invitae), Labcorp
Classification: Uncertain significance. Last evaluated: 2024-01-02. Review status: criteria provided, single submitter. Criteria: Invitae Variant Classification Sherloc (09022015). Collection method: clinical testing. Allele origin: germline.
Comment: This sequence change replaces arginine, which is basic and polar, with serine, which is neutral and polar, at codon 2056 of the COL7A1 protein (p.Arg2056Ser). This variant is not present in population databases (gnomAD no frequency). This variant has not been reported in the literature in individuals affected with COL7A1-related conditions. ClinVar contains an entry for this variant (Variation ID: 2188029). Advanced modeling of protein sequence and biophysical properties (such as structural, functional, and spatial information, amino acid conservation, physicochemical variation, residue mobility, and thermodynamic stability) performed at Invitae indicates that this missense variant is not expected to disrupt COL7A1 protein function with a negative predictive value of 95%. In summary, the available evidence is currently insufficient to determine the role of this variant in disease. Therefore, it has been classified as a Variant of Uncertain Significance.

NM_000094.4(COL7A1):c.6168G>T (p.Arg2056Ser)

Gene: COL7A1 (collagen type VII alpha 1 chain; minus strand). Cytogenetic location: 3p21.31.
Variant type: single nucleotide variant.
Coding change: c.6168G>T on transcript NM_000094.4 (MANE Select); coding-DNA position 6168, G replaced by T.
Protein change: p.Arg2056Ser; replaces arginine 2056 with serine.
Molecular consequence: missense variant.
Genome position (GRCh38, 1-based): chr3:48,575,351, C>A on the plus strand (G>T on the coding strand, the complement: COL7A1 is on the minus strand). VCF-style: chr3-48575351-C-A. GRCh37 (hg19) VCF-style: chr3-48612784-C-A.
Other names: short protein forms R2056S.
Identifiers: ClinVar variation 2188029 (VCV002188029.4), dbSNP rs2530970328, ClinGen allele CA352662872.